The following is an entry in ClinVar:

ClinVar aggregate classification (germline): Uncertain significance. Review status: criteria provided, multiple submitters, no conflicts (2 of 4 stars). 2 submissions from 2 submitters: Uncertain significance (2). Last evaluated 2025-06-12.

Allele frequency attached by ClinVar (database versions not stated): TOPMed below 0.00001; ExAC 0.00001; gnomAD exomes 0.00001.
gnomAD v4.1: 9 of 1,543,110 alleles (0.00058%); highest among the groups gnomAD compares: Admixed American, 0.0019%; no homozygotes.

Submissions (2):

Labcorp Genetics (formerly Invitae), Labcorp
Classification: Uncertain significance. Last evaluated: 2025-06-12. Review status: criteria provided, single submitter. Criteria: Invitae Variant Classification Sherloc (09022015). Collection method: clinical testing. Allele origin: germline.
Comment: This sequence change replaces leucine, which is neutral and non-polar, with proline, which is neutral and non-polar, at codon 810 of the MKL1 protein (p.Leu810Pro). This variant is present in population databases (rs763963299, gnomAD 0.004%). This variant has not been reported in the literature in individuals affected with MKL1-related conditions. ClinVar contains an entry for this variant (Variation ID: 2058587). An algorithm developed to predict the effect of missense changes on protein structure and function (PolyPhen-2) suggests that this variant is likely to be disruptive. In summary, the available evidence is currently insufficient to determine the role of this variant in disease. Therefore, it has been classified as a Variant of Uncertain Significance.

Ambry Genetics
Classification: Uncertain significance. Last evaluated: 2021-08-10. Review status: criteria provided, single submitter. Criteria: Ambry Variant Classification Scheme 2023. Collection method: clinical testing. Allele origin: germline.

NM_020831.6(MRTFA):c.2729T>C (p.Leu910Pro)

Gene: MRTFA (myocardin related transcription factor A; minus strand). Cytogenetic location: 22q13.1.
Variant type: single nucleotide variant.
Coding change: c.2729T>C on transcript NM_020831.6 (MANE Select); coding-DNA position 2729, T replaced by C.
Protein change: p.Leu910Pro; replaces leucine 910 with proline.
Molecular consequence: missense variant. On other transcripts: 3 prime UTR variant (1).
Genome position (GRCh38, 1-based): chr22:40,411,757, A>G on the plus strand (T>C on the coding strand, the complement: MRTFA is on the minus strand). VCF-style: chr22-40411757-A-G. GRCh37 (hg19) VCF-style: chr22-40807761-A-G.
Other names: c.2429T>C, p.Leu810Pro (NM_001282660.2); c.2579T>C, p.Leu860Pro (NM_001282661.3); c.*42T>C (NM_001282662.3); c.2534T>C, p.Leu845Pro (NM_001318139.2); c.2429T>C (NM_020831.3); short protein forms L910P, L810P, L860P, L845P.
Identifiers: ClinVar variation 2058587 (VCV002058587.5), dbSNP rs763963299, ClinGen allele CA10249226.
Genomic context (GRCh38, chr22:40,411,757, plus strand): 5'-CCACTGGTCAGCAGGGGCAGCCCCGTGCTGCTCTCCAGGAAGTCCTCCAGGCGTCCAGGG[A>G]GGGAGGGTGAGCCTGGAGGAGGTGGGGCAGCCTGGGGGAGCTCAGCAGAAGGTGATGGCT-3'
Protein context (NP_065882.2, residues 900-920): AAPPPPGSPS[Leu910Pro]PGRLEDFLES